The following is an entry in ClinVar:

ClinVar aggregate classification (germline): Uncertain significance (1 of 4 stars; one submission).

Allele frequency attached by ClinVar (database versions not stated): gnomAD exomes below 0.00001.
gnomAD v4.1: 3 of 1,613,932 alleles (0.00019%); highest among the groups gnomAD compares: Non-Finnish European, 0.00025%; no homozygotes.

Submission:

Labcorp Genetics (formerly Invitae), Labcorp
Classification: Uncertain significance. Last evaluated: 2022-03-13. Review status: criteria provided, single submitter. Criteria: Invitae Variant Classification Sherloc (09022015). Collection method: clinical testing. Allele origin: germline.
Comment: This sequence change replaces serine, which is neutral and polar, with phenylalanine, which is neutral and non-polar, at codon 505 of the ESCO2 protein (p.Ser505Phe). This variant is not present in population databases (gnomAD no frequency). This variant has not been reported in the literature in individuals affected with ESCO2-related conditions. Algorithms developed to predict the effect of missense changes on protein structure and function are either unavailable or do not agree on the potential impact of this missense change (SIFT: "Deleterious"; PolyPhen-2: "Probably Damaging"; Align-GVGD: "Class C0"). In summary, the available evidence is currently insufficient to determine the role of this variant in disease. Therefore, it has been classified as a Variant of Uncertain Significance.

NM_001017420.3(ESCO2):c.1514C>T (p.Ser505Phe)

Gene: ESCO2 (establishment of sister chromatid cohesion N-acetyltransferase 2; plus strand). Cytogenetic location: 8p21.1.
Variant type: single nucleotide variant.
Coding change: c.1514C>T on transcript NM_001017420.3 (MANE Select); coding-DNA position 1514, C replaced by T.
Protein change: p.Ser505Phe; replaces serine 505 with phenylalanine.
Molecular consequence: missense variant.
Genome position (GRCh38, 1-based): chr8:27,799,557, C>T. VCF-style: chr8-27799557-C-T. GRCh37 (hg19) VCF-style: chr8-27657074-C-T.
Other names: short protein forms S505F.
Identifiers: ClinVar variation 2110592 (VCV002110592.4), dbSNP rs763855875, ClinGen allele CA370827000.